The following is an entry in ClinVar:

ClinVar aggregate classification (germline): Uncertain significance (1 of 4 stars; one submission).

Conditions:
Mitochondrial DNA depletion syndrome, encephalomyopathic form with methylmalonic aciduria (MTDPS5). Also called: Mitochondrial encephalomyopathy aminoacidopathy; MITOCHONDRIAL DNA DEPLETION SYNDROME, ENCEPHALOMYOPATHIC FORM, WITH OR WITHOUT METHYLMALONIC ACIDURIA, AUTOSOMAL RECESSIVE, SUCLA2-RELATED; Mitochondrial DNA depletion syndrome 5 (encephalomyopathic with or without methylmalonic aciduria); SUCLA2-Related Mitochondrial DNA Depletion Syndrome, Encephalomyopathic Form with Methylmalonic Aciduria. Identifiers: Orphanet 1933, MedGen C5980207, MONDO:0012791, OMIM 612073.

gnomAD v4.1: 8 of 1,612,544 alleles (0.0005%); highest among the groups gnomAD compares: African/African-American, 0.0013%; no homozygotes.

Submission:

Labcorp Genetics (formerly Invitae), Labcorp
Classification: Uncertain significance for Mitochondrial DNA depletion syndrome, encephalomyopathic form with methylmalonic aciduria. Last evaluated: 2025-09-09. Review status: criteria provided, single submitter. Criteria: Invitae Variant Classification Sherloc (09022015). Collection method: clinical testing. Allele origin: germline.
Comment: This sequence change falls in intron 2 of the SUCLA2 gene. It does not directly change the encoded amino acid sequence of the SUCLA2 protein. It affects a nucleotide within the consensus splice site. This variant is present in population databases (no rsID available, gnomAD 0.007%). This variant has not been reported in the literature in individuals affected with SUCLA2-related conditions. Variants that disrupt the consensus splice site are a relatively common cause of aberrant splicing (PMID: 17576681, 9536098). Algorithms developed to predict the effect of sequence changes on RNA splicing suggest that this variant is not likely to affect RNA splicing. In summary, the available evidence is currently insufficient to determine the role of this variant in disease. Therefore, it has been classified as a Variant of Uncertain Significance.

Literature cited by the submitters: PubMed 17576681; PubMed 9536098.

NM_003850.3(SUCLA2):c.271+4C>T

Gene: SUCLA2 (succinate-CoA ligase ADP-forming subunit beta; minus strand). Cytogenetic location: 13q14.2.
Variant type: single nucleotide variant.
Coding change: c.271+4C>T on transcript NM_003850.3 (MANE Select); 4 bases into the intron after coding-DNA position 271, C replaced by T.
Molecular consequence: intron variant.
Genome position (GRCh38, 1-based): chr13:47,996,839, G>A on the plus strand (C>T on the coding strand, the complement: SUCLA2 is on the minus strand). VCF-style: chr13-47996839-G-A. GRCh37 (hg19) VCF-style: chr13-48570974-G-A.
Identifiers: ClinVar variation 4805218 (VCV004805218.1).